The following is an entry in ClinVar:

NM_001367534.1(CAMK2G):c.782T>C (p.Ile261Thr)

Gene: CAMK2G (calcium/calmodulin dependent protein kinase II gamma; minus strand). Cytogenetic location: 10q22.2.
Variant type: single nucleotide variant.
Coding change: c.782T>C on transcript NM_001367534.1 (MANE Select); coding-DNA position 782, T replaced by C.
Protein change: p.Ile261Thr; replaces isoleucine 261 with threonine.
Molecular consequence: missense variant. On other transcripts: non-coding transcript variant (8).
Genome position (GRCh38, 1-based): chr10:73,847,262, A>G on the plus strand (T>C on the coding strand, the complement: CAMK2G is on the minus strand). VCF-style: chr10-73847262-A-G. GRCh37 (hg19) VCF-style: chr10-75607020-A-G.
Other names: c.782T>C, p.Ile261Thr (NM_001204492.2, NM_001222.4, NM_001320898.2 and 28 more transcripts); c.758T>C, p.Ile253Thr (NM_001367514.1, NM_001367525.1, NM_001367532.1); c.536T>C, p.Ile179Thr (NM_001367524.1, NM_001367539.1); c.470T>C, p.Ile157Thr (NM_001367537.1, NM_001367538.1); c.116T>C, p.Ile39Thr (NM_001367540.1); c.29T>C, p.Ile10Thr (NM_001367542.1); short protein forms I10T, I157T, I179T, I253T, I261T, I39T.
Identifiers: ClinVar variation 4845522 (VCV004845522.3).

ClinVar aggregate classification (germline): Uncertain significance. Review status: criteria provided, multiple submitters, no conflicts (2 of 4 stars). 2 submissions from 2 submitters: Uncertain significance (2). Last evaluated 2026-01-21.

Conditions:
Intellectual developmental disorder 59. Also called: INTELLECTUAL DEVELOPMENTAL DISORDER, AUTOSOMAL DOMINANT 59; MENTAL RETARDATION, AUTOSOMAL DOMINANT 59. Identifiers: MedGen C5193190, MONDO:0032795, OMIM 618522.

Submissions (2):

Dasa
Classification: Uncertain significance for Intellectual developmental disorder 59. Last evaluated: 2026-01-21. Review status: criteria provided, single submitter. Criteria: DASA Assertion Criteria. Collection method: clinical testing. Allele origin: germline.
Comment: NM_001367534.1(CAMK2G):c.782T>C (p.Ile261Thr) is a missense variant that results in the substitution of isoleucine with threonine. This variant is absent from population databases. The currently available literature and clinical evidence are not sufficient to establish a definitive association between this variant and the reported condition. Therefore, this variant is classified as a variant of uncertain significance.

Greenwood Genetic Center Diagnostic Laboratories, Greenwood Genetic Center
Classification: Uncertain significance. Last evaluated: 2025-12-10. Review status: criteria provided, single submitter. Criteria: ACMG Guidelines, 2015. Collection method: clinical testing. Allele origin: germline. Affected: yes.
Comment: PM2